The following is an entry in ClinVar:

NM_000301.5(PLG):c.529G>A (p.Asp177Asn)

Gene: PLG (plasminogen; plus strand). Cytogenetic location: 6q26.
Variant type: single nucleotide variant.
Coding change: c.529G>A on transcript NM_000301.5 (MANE Select); coding-DNA position 529, G replaced by A.
Protein change: p.Asp177Asn; replaces aspartic acid 177 with asparagine.
Molecular consequence: missense variant.
Genome position (GRCh38, 1-based): chr6:160,713,107, G>A. VCF-style: chr6-160713107-G-A. GRCh37 (hg19) VCF-style: chr6-161134139-G-A.
Other names: short protein forms D177N.
Identifiers: ClinVar variation 3420769 (VCV003420769.3).
Genomic context (GRCh38, chr6:160,713,107, plus strand): 5'-AACGATCCGCAGGGGCCCTGGTGCTATACTACTGATCCAGAAAAGAGATATGACTACTGC[G>A]ACATTCTTGAGTGTGAAGGTCAGGAGTGGTTCTAGAAAATGTTTTCATTTCTGCCCTTCA-3'
Protein context (NP_000292.1, residues 167-187): TDPEKRYDYC[Asp177Asn]ILECEEECMH

ClinVar aggregate classification (germline): Uncertain significance. Review status: criteria provided, multiple submitters, no conflicts (2 of 4 stars). 2 submissions from 2 submitters: Uncertain significance (2). Last evaluated 2025-10-02.

Conditions:
Inborn genetic diseases. Identifiers: MedGen C0950123, MeSH D030342.

Submissions (2):

Labcorp Genetics (formerly Invitae), Labcorp
Classification: Uncertain significance. Last evaluated: 2025-10-02. Review status: criteria provided, single submitter. Criteria: Invitae Variant Classification Sherloc (09022015). Collection method: clinical testing. Allele origin: germline.
Comment: This sequence change replaces aspartic acid, which is acidic and polar, with asparagine, which is neutral and polar, at codon 177 of the PLG protein (p.Asp177Asn). The frequency data for this variant in the population databases is considered unreliable, as metrics indicate poor data quality at this position in the gnomAD database. This variant has not been reported in the literature in individuals affected with PLG-related conditions. ClinVar contains an entry for this variant (Variation ID: 3420769). Invitae Evidence Modeling of protein sequence and biophysical properties (such as structural, functional, and spatial information, amino acid conservation, physicochemical variation, residue mobility, and thermodynamic stability) indicates that this missense variant is not expected to disrupt PLG protein function with a negative predictive value of 95%. In summary, the available evidence is currently insufficient to determine the role of this variant in disease. Therefore, it has been classified as a Variant of Uncertain Significance.

Ambry Genetics
Classification: Uncertain significance for Inborn genetic diseases. Last evaluated: 2024-11-21. Review status: criteria provided, single submitter. Criteria: Ambry Variant Classification Scheme 2023. Collection method: clinical testing. Allele origin: germline.